The following is an entry in ClinVar:

ClinVar aggregate classification (germline): Pathogenic (1 of 4 stars; one submission).

Conditions:
Spastic ataxia 2. Also called: Ataxia, spastic, 2, autosomal recessive. Identifiers: Orphanet 397946, MedGen C1969796, MONDO:0012651, OMIM 611302.

Submission:

Labcorp Genetics (formerly Invitae), Labcorp
Classification: Pathogenic for Spastic ataxia 2. Last evaluated: 2024-02-07. Review status: criteria provided, single submitter. Criteria: Invitae Variant Classification Sherloc (09022015). Collection method: clinical testing. Allele origin: germline.
Comment: This sequence change creates a premature translational stop signal (p.Glu80Argfs*28) in the KIF1C gene. It is expected to result in an absent or disrupted protein product. Loss-of-function variants in KIF1C are known to be pathogenic (PMID: 24319291, 24482476). This variant is not present in population databases (gnomAD no frequency). This variant has not been reported in the literature in individuals affected with KIF1C-related conditions. For these reasons, this variant has been classified as Pathogenic.

Literature cited by the submitters: PubMed 24319291; PubMed 24482476.

NM_006612.6(KIF1C):c.238del (p.Glu80fs)

Gene: KIF1C (kinesin family member 1C; plus strand). Cytogenetic location: 17p13.2.
Variant type: Deletion.
Coding change: c.238del on transcript NM_006612.6 (MANE Select); coding-DNA position 238, one base deleted (G; older notation c.238delG).
Protein change: p.Glu80fs; shifts the reading frame from glutamic acid 80.
Molecular consequence: frameshift variant.
Genome position (GRCh38, 1-based): chr17:5,001,276, G deleted. VCF-style (leftmost placement, unchanged base first): chr17-5001275-AG-A. GRCh37 (hg19) VCF-style: chr17-4904570-AG-A.
Other names: short protein forms E80fs.
Identifiers: ClinVar variation 3639597 (VCV003639597.2).